The following is an entry in ClinVar:

NM_001009944.3(PKD1):c.12004-9C>T

Gene: PKD1 (polycystin 1, transient receptor potential channel interacting; minus strand). Cytogenetic location: 16p13.3.
Variant type: single nucleotide variant.
Coding change: c.12004-9C>T on transcript NM_001009944.3 (MANE Select); 9 bases into the intron before coding-DNA position 12004, C replaced by T.
Molecular consequence: intron variant.
Genome position (GRCh38, 1-based): chr16:2,090,817, G>A on the plus strand (C>T on the coding strand, the complement: PKD1 is on the minus strand). VCF-style: chr16-2090817-G-A. GRCh37 (hg19) VCF-style: chr16-2140818-G-A.
Other names: c.12001-9C>T (NM_000296.4).
Identifiers: ClinVar variation 4979069 (VCV004979069.1).

ClinVar aggregate classification (germline): Likely benign (1 of 4 stars; one submission).

Conditions:
PKD1-related disorder. Also called: PKD1-related condition.

gnomAD v4.1: 58 of 1,612,160 alleles (0.0036%); highest among the groups gnomAD compares: South Asian, 0.035%; 2 homozygotes.

Submission:

PreventionGenetics, part of Exact Sciences
Classification: Likely benign for PKD1-related condition. Last evaluated: 2026-03-30. Review status: criteria provided, single submitter. Criteria: ACMG Guidelines, 2015. Collection method: clinical testing. Allele origin: germline.
Comment: This variant is classified as likely benign based on ACMG/AMP sequence variant interpretation guidelines (Richards et al. 2015 PMID: 25741868, with internal and published modifications).